The following is an entry in ClinVar:

ClinVar aggregate classification (germline): Uncertain significance (1 of 4 stars; one submission).

gnomAD v4.1: 2 of 1,496,352 alleles (0.00013%); highest among the groups gnomAD compares: Admixed American, 0.0044%; no homozygotes.

Submission:

GeneDx
Classification: Uncertain significance. Last evaluated: 2024-04-11. Review status: criteria provided, single submitter. Criteria: GeneDx Variant Classification Process June 2021. Collection method: clinical testing. Allele origin: germline. Affected: yes.
Comment: In silico analysis supports that this missense variant has a deleterious effect on protein structure/function; Has not been previously published as pathogenic or benign to our knowledge

NM_138422.4(ADAT3):c.455G>A (p.Arg152Lys)

Genes: ADAT3 (adenosine deaminase tRNA specific 3; plus strand), SCAMP4 (secretory carrier membrane protein 4; plus strand). Cytogenetic location: 19p13.3.
Variant type: single nucleotide variant.
Coding change: c.455G>A on transcript NM_138422.4 (MANE Select); coding-DNA position 455, G replaced by A.
Protein change: p.Arg152Lys; replaces arginine 152 with lysine.
Molecular consequence: missense variant. On other transcripts: intron variant (3).
Genome position (GRCh38, 1-based): chr19:1,912,502, G>A. VCF-style: chr19-1912502-G-A. GRCh37 (hg19) VCF-style: chr19-1912501-G-A.
Other names: c.407G>A, p.Arg136Lys (NM_001329533.2); c.-41-2477G>A (NM_079834.4, NM_001329540.2); c.-125-5192G>A (NM_001329539.2); short protein forms R136K, R152K.
Identifiers: ClinVar variation 3372219 (VCV003372219.1).